The following is an entry in ClinVar:

ClinVar aggregate classification (germline): Uncertain significance. Review status: criteria provided, multiple submitters, no conflicts (2 of 4 stars). 3 submissions from 3 submitters: Uncertain significance (3). Last evaluated 2024-11-23.

Conditions:
Fanconi anemia (FA). Also called: Fanconi's anemia. Identifiers: Orphanet 84, MedGen C0015625, MeSH D005199, MONDO:0019391.
Spermatogenic failure 28. Identifiers: MedGen C4748117, MONDO:0054732, OMIM 618086.
Premature ovarian failure 15. Identifiers: MedGen C4748170, MONDO:0054862, OMIM 618096.
Inborn genetic diseases. Identifiers: MedGen C0950123, MeSH D030342.

Allele frequency attached by ClinVar (database versions not stated): TOPMed 0.00002; gnomAD 0.00001.
gnomAD v4.1: 6 of 1,614,058 alleles (0.00037%); highest among the groups gnomAD compares: Admixed American, 0.0033%; no homozygotes.

Submissions (3):

Ambry Genetics
Classification: Uncertain significance for Inborn genetic diseases. Last evaluated: 2024-11-23. Review status: criteria provided, single submitter. Criteria: Ambry Variant Classification Scheme 2023. Collection method: clinical testing. Allele origin: germline.
Comment: The p.A64S variant (also known as c.190G>T), located in coding exon 1 of the FANCM gene, results from a G to T substitution at nucleotide position 190. The alanine at codon 64 is replaced by serine, an amino acid with similar properties. This amino acid position is conserved. In addition, this alteration is predicted to be tolerated by in silico analysis. Based on the available evidence, the clinical significance of this variant remains unclear.

Labcorp Genetics (formerly Invitae), Labcorp
Classification: Uncertain significance for Fanconi anemia. Last evaluated: 2023-08-30. Review status: criteria provided, single submitter. Criteria: Invitae Variant Classification Sherloc (09022015). Collection method: clinical testing. Allele origin: germline.
Comment: This sequence change replaces alanine, which is neutral and non-polar, with serine, which is neutral and polar, at codon 64 of the FANCM protein (p.Ala64Ser). This variant is present in population databases (no rsID available, gnomAD 0.0009%). This variant has not been reported in the literature in individuals affected with FANCM-related conditions. ClinVar contains an entry for this variant (Variation ID: 1519483). An algorithm developed to predict the effect of missense changes on protein structure and function (PolyPhen-2) suggests that this variant¬†is likely to be tolerated. In summary, the available evidence is currently insufficient to determine the role of this variant in disease. Therefore, it has been classified as a Variant of Uncertain Significance.

Fulgent Genetics
Classification: Uncertain significance for Spermatogenic failure 28; Premature ovarian failure 15. Last evaluated: 2022-05-11. Review status: criteria provided, single submitter. Criteria: ACMG Guidelines, 2015. Collection method: clinical testing. Allele origin: unknown.

NM_020937.4(FANCM):c.190G>T (p.Ala64Ser)

Gene: FANCM (FA complementation group M; plus strand). Cytogenetic location: 14q21.2.
Variant type: single nucleotide variant.
Coding change: c.190G>T on transcript NM_020937.4 (MANE Select); coding-DNA position 190, G replaced by T.
Protein change: p.Ala64Ser; replaces alanine 64 with serine.
Molecular consequence: missense variant.
Genome position (GRCh38, 1-based): chr14:45,136,221, G>T. VCF-style: chr14-45136221-G-T. GRCh37 (hg19) VCF-style: chr14-45605424-G-T.
Other names: c.190G>T, p.Ala64Ser (NM_001308133.2, NM_001308134.2); c.190G>T (NM_020937.2); short protein forms A64S.
Identifiers: ClinVar variation 1519483 (VCV001519483.8), dbSNP rs1015238529, ClinGen allele CA259602322.